The following is an entry in ClinVar:

ClinVar aggregate classification (germline): Conflicting classifications of pathogenicity. Review status: criteria provided, conflicting classifications (1 of 4 stars). 7 submissions from 6 submitters: Uncertain significance (4); Likely benign (3). Last evaluated 2025-12-03.

Conditions:
RYR1-related disorder. Also called: RYR1-related disorders; RYR1-related condition. Identifiers: MedGen CN239331.
Congenital multicore myopathy with external ophthalmoplegia (CMYO1B). Also called: MULTIMINICORE DISEASE WITH EXTERNAL OPHTHALMOPLEGIA; Minicore myopathy with external ophthalmoplegia; Congenital myopathy 1B, autosomal recessive; Minicore myopathy; MULTICORE MYOPATHY. Identifiers: Orphanet 598, Orphanet 98905, MedGen C1850674, MONDO:0009712, OMIM 255320, HP:0003789.
Malignant hyperthermia, susceptibility to, 1 (MHS1). Also called: Anesthesia related hyperthermia; Malignant hyperpyrexia; Fulminating hyperpyrexia; Pharmacogenic myopathy; RYR1-Related Malignant Hyperthermia Susceptibility; Malignant hyperthermia suceptibility 1. Identifiers: Orphanet 423, MedGen C2930980, MONDO:0007783, OMIM 145600.

Allele frequency attached by ClinVar (database versions not stated): ExAC 0.00007; gnomAD exomes 0.00008 and 0.00009; ESP Exome Variant Server 0.00015; 1000 Genomes Project 0.00020; gnomAD 0.00021 and 0.00022; TOPMed 0.00022; 1000 Genomes Project 30x 0.00031.
gnomAD v4.1: 157 of 1,614,172 alleles (0.0097%); highest among the groups gnomAD compares: African/African-American, 0.077%; no homozygotes.

Submissions (7):

PreventionGenetics, part of Exact Sciences
Classification: Likely benign for RYR1-related condition. Last evaluated: 2025-12-03. Review status: criteria provided, single submitter. Criteria: ACMG Guidelines, 2015. Collection method: clinical testing. Allele origin: germline.
Comment: This variant is classified as likely benign based on ACMG/AMP sequence variant interpretation guidelines (Richards et al. 2015 PMID: 25741868, with internal and published modifications).

Women's Health and Genetics/Laboratory Corporation of America, LabCorp
Classification: Uncertain significance. Last evaluated: 2025-05-19. Review status: criteria provided, single submitter. Criteria: LabCorp Variant Classification Summary - May 2015. Collection method: clinical testing. Allele origin: germline.
Comment: Variant summary: RYR1 c.3555C>T (p.Asp1185Asp) alters a conserved nucleotide located close to a canonical splice site and therefore could affect mRNA splicing, leading to a significantly altered protein sequence. Several computational tools predict a significant impact on normal splicing: One predict the variant no significant impact on splicing. Two predict the variant weakens a 5' donor site. One predict the variant abolishes a 5' splicing donor site. However, these predictions have yet to be confirmed by functional studies. The variant allele was found at a frequency of 8.4e-05 in 251410 control chromosomes. This frequency is not significantly higher than estimated for a pathogenic variant in RYR1 causing Congenital multicore myopathy with external ophthalmoplegia (8.4e-05 vs 0.0011), allowing no conclusion about variant significance. To our knowledge, no occurrence of c.3555C>T in individuals affected with Congenital multicore myopathy with external ophthalmoplegia and no experimental evidence demonstrating its impact on protein function have been reported. ClinVar contains an entry for this variant (Variation ID: 329011). Based on the evidence outlined above, the variant was classified as uncertain significance.

Labcorp Genetics (formerly Invitae), Labcorp
Classification: Uncertain significance for RYR1-related disorder. Last evaluated: 2024-08-21. Review status: criteria provided, single submitter. Criteria: Invitae Variant Classification Sherloc (09022015). Collection method: clinical testing. Allele origin: germline.
Comment: This sequence change affects codon 1185 of the RYR1 mRNA. It is a 'silent' change, meaning that it does not change the encoded amino acid sequence of the RYR1 protein. It affects a nucleotide within the consensus splice site. This variant is present in population databases (rs377282283, gnomAD 0.1%). This variant has not been reported in the literature in individuals affected with RYR1-related conditions. ClinVar contains an entry for this variant (Variation ID: 329011). Algorithms developed to predict the effect of sequence changes on RNA splicing suggest that this variant is not likely to affect RNA splicing. In summary, the available evidence is currently insufficient to determine the role of this variant in disease. Therefore, it has been classified as a Variant of Uncertain Significance.

Color Diagnostics, LLC DBA Color Health
Classification: Likely benign for Malignant hyperthermia, susceptibility to, 1. Last evaluated: 2023-05-15. Review status: criteria provided, single submitter. Criteria: ACMG Guidelines, 2015. Collection method: clinical testing. Allele origin: germline.

GeneDx
Classification: Likely benign. Last evaluated: 2018-07-16. Review status: criteria provided, single submitter. Criteria: GeneDx Variant Classification Process June 2021. Collection method: clinical testing. Allele origin: germline. Affected: yes.

Illumina Laboratory Services, Illumina
Classification: Uncertain significance for Malignant hyperthermia, susceptibility to, 1. Last evaluated: 2018-01-12. Review status: criteria provided, single submitter. Criteria: ICSL Variant Classification Criteria 13 December 2019. Collection method: clinical testing. Allele origin: germline.

Illumina Laboratory Services, Illumina
Classification: Uncertain significance for Congenital multicore myopathy with external ophthalmoplegia. Last evaluated: 2018-01-12. Review status: criteria provided, single submitter. Criteria: ICSL Variant Classification Criteria 13 December 2019. Collection method: clinical testing. Allele origin: germline.

NM_000540.3(RYR1):c.3555C>T (p.Asp1185=)

Gene: RYR1 (ryanodine receptor 1; plus strand). Cytogenetic location: 19q13.2.
Variant type: single nucleotide variant.
Coding change: c.3555C>T on transcript NM_000540.3 (MANE Select); coding-DNA position 3555, C replaced by T.
Protein change: p.Asp1185=; no amino-acid change (aspartic acid 1185 retained).
Molecular consequence: synonymous variant.
Genome position (GRCh38, 1-based): chr19:38,469,139, C>T. VCF-style: chr19-38469139-C-T. GRCh37 (hg19) VCF-style: chr19-38959779-C-T.
Other names: c.3555C>T, p.Asp1185= (NM_001042723.2).
Identifiers: ClinVar variation 329011 (VCV000329011.15), dbSNP rs377282283, ClinGen allele CA064990.